The following is an entry in ClinVar:

NM_005751.5(AKAP9):c.194T>G (p.Met65Arg)

Gene: AKAP9 (A-kinase anchoring protein 9; plus strand). Cytogenetic location: 7q21.2.
Variant type: single nucleotide variant.
Coding change: c.194T>G on transcript NM_005751.5 (MANE Select); coding-DNA position 194, T replaced by G.
Protein change: p.Met65Arg; replaces methionine 65 with arginine.
Molecular consequence: missense variant.
Genome position (GRCh38, 1-based): chr7:91,973,856, T>G. VCF-style: chr7-91973856-T-G. GRCh37 (hg19) VCF-style: chr7-91603170-T-G.
Other names: c.194T>G, p.Met65Arg (NM_147185.3); short protein forms M65R.
Identifiers: ClinVar variation 5034062 (VCV005034062.1).
Genomic context (GRCh38, chr7:91,973,856, plus strand): 5'-GTAAACATGATGTGTCAGCACACCATGATTTGAATATTGATCAATCACAGTGTAATGAAA[T>G]GTACATAAATAGTTCTCAGAGAGTAGAATCAACTGTGATTCCTGAATCTACAATAATGAG-3'
Protein context (NP_005742.4, residues 55-75): LNIDQSQCNE[Met65Arg]YINSSQRVES

ClinVar aggregate classification (germline): Uncertain significance (1 of 4 stars; one submission).

Conditions:
Cardiovascular phenotype. Identifiers: MedGen CN230736.

Submission:

Ambry Genetics
Classification: Uncertain significance for Cardiovascular phenotype. Last evaluated: 2026-08-16. Review status: criteria provided, single submitter. Criteria: Ambry Variant Classification Scheme 2023. Collection method: clinical testing. Allele origin: germline.
Comment: The p.M65R variant (also known as c.194T>G), located in coding exon 2 of the AKAP9 gene, results from a T to G substitution at nucleotide position 194. The methionine at codon 65 is replaced by arginine, an amino acid with similar properties. This amino acid position is conserved. In addition, this alteration is predicted to be tolerated by in silico analysis. Based on the available evidence, the clinical significance of this variant remains unclear.